The following is an entry in ClinVar:

ClinVar aggregate classification (germline): Uncertain significance. Review status: criteria provided, multiple submitters, no conflicts (2 of 4 stars). 4 submissions from 4 submitters: Uncertain significance (4). Last evaluated 2025-06-12.

Conditions:
Hereditary cancer-predisposing syndrome. Also called: Hereditary Cancer Syndrome; Tumor predisposition; Neoplastic Syndromes, Hereditary; Hereditary neoplastic syndrome. Identifiers: Orphanet 140162, MedGen C0027672, MeSH D009386, MONDO:0015356.
Desmoid disease, hereditary (DESMD). Also called: FIBROMATOSIS, FAMILIAL INFILTRATIVE. Identifiers: Orphanet 873, MedGen C1851124, OMIM 135290. Disease mechanism: loss of function.
Familial adenomatous polyposis 1 (FAP1). Also called: FAMILIAL ADENOMATOUS POLYPOSIS 1, ATTENUATED; POLYPOSIS, ADENOMATOUS INTESTINAL. Identifiers: MedGen C2713442, MONDO:0021056, OMIM 175100. Disease mechanism: loss of function.
Gastric cancer. Also called: Malignant tumor of stomach; Stomach cancer. Identifiers: MedGen C0024623, MeSH D013274, MONDO:0001056, OMIM 613659, HP:0012126.
Colorectal cancer. Also called: Colorectal cancer, somatic; Malignant Colorectal Neoplasm. Identifiers: MedGen C0346629, MONDO:0005575, OMIM 114500.
Gastric adenocarcinoma and proximal polyposis of the stomach (GAPPS). Also called: Polyposis, gastric, Dos Santos and de Magalhaes 1980; POLYPOSIS, GASTRIC; Gastric Adenocarcinoma and Proximal Polyposis of the Stomach (GAPPS). Identifiers: Orphanet 314022, MedGen C4749917, MONDO:0017790, OMIM 619182.
Hepatocellular carcinoma (HCC). Also called: Primary carcinoma of liver; HEPATOMA; LIVER CELL CARCINOMA. Identifiers: HP:0002899, Orphanet 88673, MedGen C2239176, MONDO:0007256, OMIM 114550.

Allele frequency attached by ClinVar (database versions not stated): gnomAD exomes below 0.00001.
gnomAD v4.1: 2 of 1,613,366 alleles (0.00012%); highest among the groups gnomAD compares: Non-Finnish European, 0.000085%; no homozygotes.

Submissions (4):

GeneDx
Classification: Uncertain significance. Last evaluated: 2025-06-12. Review status: criteria provided, single submitter. Criteria: GeneDx Variant Classification Process June 2021. Collection method: clinical testing. Allele origin: germline. Affected: yes.
Comment: Not observed at significant frequency in large population cohorts (gnomAD); In silico analysis indicates that this missense variant does not alter protein structure/function; Has not been previously published as pathogenic or benign to our knowledge; This variant is associated with the following publications: (PMID: 18199528)

Labcorp Genetics (formerly Invitae), Labcorp
Classification: Uncertain significance for Familial adenomatous polyposis 1. Last evaluated: 2024-04-15. Review status: criteria provided, single submitter. Criteria: Invitae Variant Classification Sherloc (09022015). Collection method: clinical testing. Allele origin: germline.
Comment: This sequence change replaces tyrosine, which is neutral and polar, with cysteine, which is neutral and slightly polar, at codon 2366 of the APC protein (p.Tyr2366Cys). This variant is not present in population databases (gnomAD no frequency). This variant has not been reported in the literature in individuals affected with APC-related conditions. ClinVar contains an entry for this variant (Variation ID: 581975). Advanced modeling of protein sequence and biophysical properties (such as structural, functional, and spatial information, amino acid conservation, physicochemical variation, residue mobility, and thermodynamic stability) performed at Invitae indicates that this missense variant is not expected to disrupt APC protein function with a negative predictive value of 95%. In summary, the available evidence is currently insufficient to determine the role of this variant in disease. Therefore, it has been classified as a Variant of Uncertain Significance.

Ambry Genetics
Classification: Uncertain significance for Hereditary cancer-predisposing syndrome. Last evaluated: 2024-03-20. Review status: criteria provided, single submitter. Criteria: Ambry Variant Classification Scheme 2023. Collection method: clinical testing. Allele origin: germline.
Comment: The p.Y2366C variant (also known as c.7097A>G), located in coding exon 15 of the APC gene, results from an A to G substitution at nucleotide position 7097. The tyrosine at codon 2366 is replaced by cysteine, an amino acid with highly dissimilar properties. This amino acid position is well conserved in available vertebrate species. In addition, in silico predictors for this gene do not accurately predict pathogenicity. Since supporting evidence is limited at this time, the clinical significance of this alteration remains unclear.

Fulgent Genetics
Classification: Uncertain significance for Colorectal cancer; Hepatocellular carcinoma; Desmoid disease, hereditary; Familial adenomatous polyposis 1; Gastric cancer; Gastric adenocarcinoma and proximal polyposis of the stomach. Last evaluated: 2021-11-10. Review status: criteria provided, single submitter. Criteria: ACMG Guidelines, 2015. Collection method: clinical testing. Allele origin: unknown.

NM_000038.6(APC):c.7097A>G (p.Tyr2366Cys)

Gene: APC (APC regulator of Wnt signaling pathway; plus strand). Cytogenetic location: 5q22.2.
Variant type: single nucleotide variant.
Coding change: c.7097A>G on transcript NM_000038.6 (MANE Select); coding-DNA position 7097, A replaced by G.
Protein change: p.Tyr2366Cys; replaces tyrosine 2366 with cysteine.
Molecular consequence: missense variant.
Genome position (GRCh38, 1-based): chr5:112,842,691, A>G. VCF-style: chr5-112842691-A-G. GRCh37 (hg19) VCF-style: chr5-112178388-A-G.
Other names: c.7097A>G, p.Tyr2366Cys (NM_001127510.3, NM_001354895.2); c.7043A>G, p.Tyr2348Cys (NM_001127511.3); c.7151A>G, p.Tyr2384Cys (NM_001354896.2); c.7127A>G, p.Tyr2376Cys (NM_001354897.2); c.7022A>G, p.Tyr2341Cys (NM_001354898.2); c.7013A>G, p.Tyr2338Cys (NM_001354899.2); c.6974A>G, p.Tyr2325Cys (NM_001354900.2); c.6920A>G, p.Tyr2307Cys (NM_001354901.2); and 5 more; short protein forms Y2366C, Y2348C, Y2206C, Y2275C, Y2325C, Y2083C, Y2240C, Y2338C.
Identifiers: ClinVar variation 581975 (VCV000581975.16), dbSNP rs1561612604, ClinGen allele CA16036790.